The following is an entry in ClinVar:

NC_000006.11:g.(?_79650410)_(80912949_?)del

Genes: BCKDHB (branched chain keto acid dehydrogenase E1 subunit beta; plus strand), ELOVL4 (ELOVL fatty acid elongase 4; minus strand), HMGN3 (high mobility group nucleosomal binding domain 3; minus strand), LCA5 (lebercilin LCA5; minus strand), LINC01621 (long intergenic non-protein coding RNA 1621; minus strand) and 3 more. Cytogenetic location: 6q14.1.
Variant type: Deletion.
Identifiers: ClinVar variation 2426770 (VCV002426770.3).

ClinVar aggregate classification (germline): Pathogenic. Review status: criteria provided, single submitter (1 of 4 stars). 2 submissions from 1 submitter: Pathogenic (1). 1 of the submissions does not count toward it. Last evaluated 2022-09-13.

Conditions:
Maple syrup urine disease (MSUD). Identifiers: Orphanet 511, MedGen C0024776, MeSH D008375, MONDO:0009563. Disease mechanism: loss of function.

Submissions (2):

Labcorp Genetics (formerly Invitae), Labcorp
Classification: Pathogenic for Maple syrup urine disease. Last evaluated: 2022-09-13. Review status: criteria provided, single submitter. Criteria: Invitae Variant Classification Sherloc (09022015). Collection method: clinical testing. Allele origin: germline.
Comment: This variant is a gross deletion of the genomic region encompassing exon(s) 1-8 of the BCKDHB gene, which includes the initiator codon. This deletion extends beyond the assayed region for this gene and therefore may encompass additional genes. It is expected to result in an absent or disrupted protein product. Loss-of-function variants in BCKDHB are known to be pathogenic (PMID: 16786533, 22593002). This variant has not been reported in the literature in individuals affected with BCKDHB-related conditions. For these reasons, this variant has been classified as Pathogenic.

Labcorp Genetics (formerly Invitae), Labcorp
Classification: Pathogenic. Last evaluated: 2022-09-13. Review status: flagged submission. Criteria: Invitae Variant Classification Sherloc (09022015). Collection method: clinical testing. Allele origin: germline. Not counted in ClinVar's aggregate classification.
Comment: A gross deletion of the genomic region encompassing the full coding sequence of the ELOVL4 gene has been identified. Loss-of-function variants in ELOVL4 are known to be pathogenic (PMID: 24571530). The boundaries of this event are unknown as they extend beyond the assayed region for this gene and therefore may encompass additional genes. This variant has not been reported in the literature in individuals affected with ELOVL4-related conditions. For these reasons, this variant has been classified as Pathogenic.
ClinVar note: Reason: This record appears to be redundant with a more recent record from the same submitter.
ClinVar note: Notes: SCV003791928 appears to be redundant with SCV003797039.

Literature cited by the submitters: PubMed 16786533; PubMed 22593002; PubMed 24571530.